The following is an entry in ClinVar:

NM_000245.4(MET):c.1475T>G (p.Val492Gly)

Gene: MET (MET proto-oncogene, receptor tyrosine kinase; plus strand). Cytogenetic location: 7q31.2.
Variant type: single nucleotide variant.
Coding change: c.1475T>G on transcript NM_000245.4 (MANE Select); coding-DNA position 1475, T replaced by G.
Protein change: p.Val492Gly; replaces valine 492 with glycine.
Molecular consequence: missense variant.
Genome position (GRCh38, 1-based): chr7:116,740,032, T>G. VCF-style: chr7-116740032-T-G. GRCh37 (hg19) VCF-style: chr7-116380086-T-G.
Other names: c.1475T>G, p.Val492Gly (NM_001127500.3, NM_001324401.3); c.185T>G, p.Val62Gly (NM_001324402.2); short protein forms V62G, V492G.
Identifiers: ClinVar variation 1773455 (VCV001773455.2), dbSNP rs2116827202, ClinGen allele CA368974172.
Genomic context (GRCh38, chr7:116,740,032, plus strand): 5'-CATCAACCCCTCATGTGAATTTTCTCCTGGACTCCCATCCAGTGTCTCCAGAAGTGATTG[T>G]GGAGCATACATTAAACCAAAATGGCTACACACTGGTTATCACTGGGAAGAAGGTAAGCTG-3'
Protein context (NP_000236.2, residues 482-502): DSHPVSPEVI[Val492Gly]EHTLNQNGYT

ClinVar aggregate classification (germline): Uncertain significance (1 of 4 stars; one submission).

Conditions:
Hereditary cancer-predisposing syndrome. Also called: Hereditary Cancer Syndrome; Hereditary neoplastic syndrome; Neoplastic Syndromes, Hereditary; Tumor predisposition. Identifiers: Orphanet 140162, MedGen C0027672, MeSH D009386, MONDO:0015356.

Submission:

Ambry Genetics
Classification: Uncertain significance for Hereditary cancer-predisposing syndrome. Last evaluated: 2022-03-16. Review status: criteria provided, single submitter. Criteria: Ambry Variant Classification Scheme 2023. Collection method: clinical testing. Allele origin: germline.
Comment: The p.V492G variant (also known as c.1475T>G), located in coding exon 3 of the MET gene, results from a T to G substitution at nucleotide position 1475. The valine at codon 492 is replaced by glycine, an amino acid with dissimilar properties. This amino acid position is conserved. In addition, the in silico prediction for this alteration is inconclusive. Since supporting evidence is limited at this time, the clinical significance of this alteration remains unclear.